The following is an entry in ClinVar:

NM_005732.4(RAD50):c.2769G>C (p.Gln923His)

Gene: RAD50 (RAD50 double strand break repair protein; plus strand). Cytogenetic location: 5q31.1.
Variant type: single nucleotide variant.
Coding change: c.2769G>C on transcript NM_005732.4 (MANE Select); coding-DNA position 2769, G replaced by C.
Protein change: p.Gln923His; replaces glutamine 923 with histidine.
Molecular consequence: missense variant.
Genome position (GRCh38, 1-based): chr5:132,608,665, G>C. VCF-style: chr5-132608665-G-C. GRCh37 (hg19) VCF-style: chr5-131944357-G-C.
Other names: short protein forms Q923H.
Identifiers: ClinVar variation 581645 (VCV000581645.12), dbSNP rs1486539175, ClinGen allele CA360958874.
Genomic context (GRCh38, chr5:132,608,665, plus strand): 5'-ATATTTTTAGGATGCTAAAGAGCAGGTAAGCCCTTTGGAAACAACATTGGAAAAGTTCCA[G>C]CAAGAAAAAGAAGAATTAATCAACAAAAAAAATACAAGCAACAAAATAGCACAGGATAAA-3'
Protein context (NP_005723.2, residues 913-933): SPLETTLEKF[Gln923His]QEKEELINKK

ClinVar aggregate classification (germline): Uncertain significance. Review status: criteria provided, multiple submitters, no conflicts (2 of 4 stars). 2 submissions from 2 submitters: Uncertain significance (2). Last evaluated 2023-07-03.

Conditions:
Hereditary cancer-predisposing syndrome. Also called: Neoplastic Syndromes, Hereditary; Hereditary Cancer Syndrome; Tumor predisposition; Hereditary neoplastic syndrome. Identifiers: Orphanet 140162, MedGen C0027672, MeSH D009386, MONDO:0015356.

Allele frequency attached by ClinVar (database versions not stated): gnomAD exomes below 0.00001.
gnomAD v4.1: 1 of 1,600,650 alleles (0.000062%); highest among the groups gnomAD compares: Non-Finnish European, 0.000085%; no homozygotes.

Submissions (2):

Labcorp Genetics (formerly Invitae), Labcorp
Classification: Uncertain significance for Hereditary cancer-predisposing syndrome. Last evaluated: 2023-07-03. Review status: criteria provided, single submitter. Criteria: Invitae Variant Classification Sherloc (09022015). Collection method: clinical testing. Allele origin: germline.
Comment: ClinVar contains an entry for this variant (Variation ID: 581645). Advanced modeling of protein sequence and biophysical properties (such as structural, functional, and spatial information, amino acid conservation, physicochemical variation, residue mobility, and thermodynamic stability) performed at Invitae indicates that this missense variant is expected to disrupt RAD50 protein function. In summary, the available evidence is currently insufficient to determine the role of this variant in disease. Therefore, it has been classified as a Variant of Uncertain Significance. This variant has not been reported in the literature in individuals affected with RAD50-related conditions. This sequence change replaces glutamine, which is neutral and polar, with histidine, which is basic and polar, at codon 923 of the RAD50 protein (p.Gln923His). This variant is not present in population databases (gnomAD no frequency).

Ambry Genetics
Classification: Uncertain significance for Hereditary cancer-predisposing syndrome. Last evaluated: 2023-06-21. Review status: criteria provided, single submitter. Criteria: Ambry Variant Classification Scheme 2023. Collection method: clinical testing. Allele origin: germline.
Comment: The p.Q923H variant (also known as c.2769G>C), located in coding exon 17 of the RAD50 gene, results from a G to C substitution at nucleotide position 2769. The glutamine at codon 923 is replaced by histidine, an amino acid with highly similar properties. This amino acid position is conserved. In addition, this alteration is predicted to be tolerated by in silico analysis. Since supporting evidence is limited at this time, the clinical significance of this alteration remains unclear.